The following is an entry in ClinVar:

ClinVar aggregate classification (germline): Uncertain significance (1 of 4 stars; one submission).

Allele frequency attached by ClinVar (database versions not stated): ExAC 0.00002; gnomAD 0.00003; TOPMed 0.00003; gnomAD exomes 0.00007.
gnomAD v4.1: 99 of 1,614,080 alleles (0.0061%); highest among the groups gnomAD compares: Non-Finnish European, 0.0083%; no homozygotes.

Submission:

Labcorp Genetics (formerly Invitae), Labcorp
Classification: Uncertain significance. Last evaluated: 2023-09-05. Review status: criteria provided, single submitter. Criteria: Invitae Variant Classification Sherloc (09022015). Collection method: clinical testing. Allele origin: germline.
Comment: This sequence change replaces aspartic acid, which is acidic and polar, with tyrosine, which is neutral and polar, at codon 113 of the MRPS23 protein (p.Asp113Tyr). This variant is present in population databases (rs760880323, gnomAD 0.005%). This variant has not been reported in the literature in individuals affected with MRPS23-related conditions. An algorithm developed to predict the effect of missense changes on protein structure and function (PolyPhen-2) suggests that this variant is likely to be disruptive. In summary, the available evidence is currently insufficient to determine the role of this variant in disease. Therefore, it has been classified as a Variant of Uncertain Significance.

NM_016070.4(MRPS23):c.337G>T (p.Asp113Tyr)

Gene: MRPS23 (mitochondrial ribosomal protein S23; minus strand). Cytogenetic location: 17q22.
Variant type: single nucleotide variant.
Coding change: c.337G>T on transcript NM_016070.4 (MANE Select); coding-DNA position 337, G replaced by T.
Protein change: p.Asp113Tyr; replaces aspartic acid 113 with tyrosine.
Molecular consequence: missense variant.
Genome position (GRCh38, 1-based): chr17:57,841,009, C>A on the plus strand (G>T on the coding strand, the complement: MRPS23 is on the minus strand). VCF-style: chr17-57841009-C-A. GRCh37 (hg19) VCF-style: chr17-55918370-C-A.
Other names: short protein forms D113Y.
Identifiers: ClinVar variation 2963075 (VCV002963075.3), dbSNP rs760880323, ClinGen allele CA8666725.